The following is an entry in ClinVar:

NM_000525.4(KCNJ11):c.5T>C (p.Leu2Pro)

Gene: KCNJ11 (potassium inwardly rectifying channel subfamily J member 11; minus strand). Cytogenetic location: 11p15.1.
Variant type: single nucleotide variant.
Coding change: c.5T>C on transcript NM_000525.4 (MANE Select); coding-DNA position 5, T replaced by C.
Protein change: p.Leu2Pro; replaces leucine 2 with proline.
Molecular consequence: missense variant. On other transcripts: intron variant (3).
Genome position (GRCh38, 1-based): chr11:17,388,087, A>G on the plus strand (T>C on the coding strand, the complement: KCNJ11 is on the minus strand). VCF-style: chr11-17388087-A-G. GRCh37 (hg19) VCF-style: chr11-17409634-A-G.
Other names: c.-16-241T>C (NM_001166290.2, NM_001377297.1); c.-75-11T>C (NM_001377296.1); short protein forms L2P.
Identifiers: ClinVar variation 36433 (VCV000036433.4), dbSNP rs193922565, ClinGen allele CA214112.

ClinVar aggregate classification (germline): Conflicting classifications of pathogenicity. Review status: criteria provided, conflicting classifications (1 of 4 stars). 2 submissions from 2 submitters: Likely pathogenic (1); Uncertain significance (1). Last evaluated 2011-08-18.

Conditions:
Maturity-onset diabetes of the young (MODY). Also called: Maturity onset diabetes mellitus in young. Identifiers: Orphanet 552, MedGen C0342276, MONDO:0018911, HP:0004904.
Neonatal diabetes mellitus (NDM). Identifiers: Orphanet 224, MedGen C0158981, MONDO:0016391.

Submissions (2):

Women's Health and Genetics/Laboratory Corporation of America, LabCorp
Classification: Likely pathogenic for Neonatal Diabetes Mellitus. Last evaluated: 2011-08-18. Review status: criteria provided, single submitter. Criteria: LabCorp Variant Classification Summary - May 2015. Collection method: curation, clinical testing. Allele origin: germline. Inheritance: autosomal unknown. Affected: yes.
ClinVar note: Converted during submission from likely pathogenic to Likely pathogenic.

Clinical Genomics, Uppaluri K&H Personalized Medicine Clinic
Classification: Uncertain significance for Maturity-onset diabetes of the young. Review status: criteria provided, single submitter. Criteria: K&H Uppaluri Personalized Medicine Clinic Variant Classification & Assertion Criteria. Collection method: research. Allele origin: somatic. Inheritance: Autosomal dominant inheritance.
Comment: Mutations in KCNJ11 gene can cause decreased production and secretion of insulin. This can lead to MODY which is responsive to oral sulfonylureas. It is also associated with Neonatal Diabetes. However, no sufficient evidence is found to ascertain the role of rs193922565 variant in Diabetes Mellitus yet.

Literature cited by the submitters: PubMed 26448950 (cited by Clinical Genomics, Uppaluri K&H Personalized Medicine Clinic); PubMed 15580558 (cited by Clinical Genomics, Uppaluri K&H Personalized Medicine Clinic); PubMed 15718250 (cited by Clinical Genomics, Uppaluri K&H Personalized Medicine Clinic).